The following is an entry in ClinVar:

NM_005138.3(SCO2):c.59G>C (p.Arg20Pro)

Genes: NCAPH2 (non-SMC condensin II complex subunit H2; plus strand), SCO2 (synthesis of cytochrome C oxidase 2; minus strand), TYMP (thymidine phosphorylase; minus strand). Cytogenetic location: 22q13.33.
Variant type: single nucleotide variant.
Coding change: c.59G>C on transcript NM_005138.3 (MANE Select); coding-DNA position 59, G replaced by C.
Protein change: p.Arg20Pro; replaces arginine 20 with proline.
Molecular consequence: missense variant. On other transcripts: 3 prime UTR variant (2).
Genome position (GRCh38, 1-based): chr22:50,524,353, C>G on the plus strand (G>C on the coding strand, the complement: SCO2 is on the minus strand). VCF-style: chr22-50524353-C-G. GRCh37 (hg19) VCF-style: chr22-50962782-C-G.
Other names: p.R20P:CGG>CCG; c.*978C>G (NM_001185011.2, NM_152299.4); c.59G>C, p.Arg20Pro (NM_001169109.2, NM_001169110.1, NM_001169111.2); short protein forms R20P.
Identifiers: ClinVar variation 139082 (VCV000139082.24), dbSNP rs140523, ClinGen allele CA293438.
Genomic context (GRCh38, chr22:50,524,353, plus strand): 5'-CTTGACAAAAGCCAGGACCTCAGATGCAGGGCCTGGCCTCCCAGGGTCCCAGGGAGGACC[C>G]GAGGCTTGAGCTGAGAGAGCCTGTGCCAAGCTGTGGGGCTCCGAGTCAGCAGCAGCATGG-3'
Protein context (NP_005129.2, residues 10-30): AWHRLSQLKP[Arg20Pro]VLPGTLGGQA

ClinVar aggregate classification (germline): Benign. Review status: criteria provided, multiple submitters, no conflicts (2 of 4 stars). 11 submissions from 9 submitters: Benign (8). 3 of the submissions do not count toward it. Last evaluated 2026-02-04.

Conditions:
Myopia 6 (MYP6). Identifiers: MedGen C1837148, MONDO:0012154, OMIM 608908.
Mitochondrial DNA depletion syndrome 1. Also called: Mitochondrial neurogastrointestinal encephalomyopathy syndrome; POLIP SYNDROME; POLYNEUROPATHY, OPHTHALMOPLEGIA, LEUKOENCEPHALOPATHY, AND INTESTINAL PSEUDOOBSTRUCTION; Mitochondrial Neurogastrointestinal Encephalopathy Disease; MITOCHONDRIAL NEUROGASTROINTESTINAL ENCEPHALOPATHY SYNDROME, TYMP-RELATED; MNGIE, TYMP-RELATED. Identifiers: Orphanet 298, MedGen C4551995, MONDO:0011283, OMIM 603041.
Cardioencephalomyopathy, fatal infantile, due to cytochrome c oxidase deficiency 1 (MC4DN2). Also called: CYTOCHROME c OXIDASE DEFICIENCY, FATAL INFANTILE, WITH CARDIOENCEPHALOMYOPATHY; MITOCHONDRIAL COMPLEX IV DEFICIENCY, NUCLEAR TYPE 2. Identifiers: Orphanet 1561, MedGen C5399977, MONDO:0011451, OMIM 604377.

Allele frequency attached by ClinVar (database versions not stated): TOPMed 0.63756; 1000 Genomes Project 0.65156; ESP Exome Variant Server 0.63069; 1000 Genomes Project 30x 0.65350.
gnomAD v4.1: 996,851 of 1,601,392 alleles (62%); highest among the groups gnomAD compares: East Asian, 72%; 311,389 homozygotes.

Submissions (11):

Labcorp Genetics (formerly Invitae), Labcorp
Classification: Benign. Last evaluated: 2026-02-04. Review status: criteria provided, single submitter. Criteria: Invitae Variant Classification Sherloc (09022015). Collection method: clinical testing. Allele origin: germline.

Blueprint Genetics
Classification: Benign. Last evaluated: 2024-11-28. Review status: criteria provided, single submitter. Criteria: ACMG Guidelines, 2015. Collection method: clinical testing. Allele origin: germline.

Genome-Nilou Lab
Classification: Benign for Cardioencephalomyopathy, fatal infantile, due to cytochrome c oxidase deficiency 1. Last evaluated: 2021-07-15. Review status: criteria provided, single submitter. Criteria: ACMG Guidelines, 2015. Collection method: clinical testing. Allele origin: germline. Affected: no.

Genome-Nilou Lab
Classification: Benign for Myopia 6. Last evaluated: 2021-07-15. Review status: criteria provided, single submitter. Criteria: ACMG Guidelines, 2015. Collection method: clinical testing. Allele origin: germline. Affected: no.

Illumina Laboratory Services, Illumina
Classification: Benign for Cardioencephalomyopathy, fatal infantile, due to cytochrome c oxidase deficiency 1. Last evaluated: 2018-01-12. Review status: criteria provided, single submitter. Criteria: ICSL Variant Classification Criteria 13 December 2019. Collection method: clinical testing. Allele origin: germline.
Comment: This variant was observed in the ICSL laboratory as part of a predisposition screen in an ostensibly healthy population. It had not been previously curated by ICSL or reported in the Human Gene Mutation Database (HGMD: prior to June 1st, 2018), and was therefore a candidate for classification through an automated scoring system. Utilizing variant allele frequency, disease prevalence and penetrance estimates, and inheritance mode, an automated score was calculated to assess if this variant is too frequent to cause the disease. Based on the score and internal cut-off values, a variant classified as benign is not then subjected to further curation. The score for this variant resulted in a classification of benign for this disease.

Illumina Laboratory Services, Illumina
Classification: Benign for Mitochondrial DNA depletion syndrome 1. Last evaluated: 2017-04-27. Review status: criteria provided, single submitter. Criteria: ICSL Variant Classification Criteria 13 December 2019. Collection method: clinical testing. Allele origin: germline.
Comment: This variant was observed as part of a predisposition screen in an ostensibly healthy population. A literature search was performed for the gene, cDNA change, and amino acid change (where applicable). No publications were found based on this search. Allele frequency data from public databases was too high to be consistent with this variant causing disease. Therefore, this variant is classified as benign.

GeneDx
Classification: Benign. Last evaluated: 2011-07-01. Review status: criteria provided, single submitter. Criteria: GeneDx Variant Classification (06012015). Collection method: clinical testing. Allele origin: germline. Affected: yes.
Comment: This variant is considered likely benign or benign based on one or more of the following criteria: it is a conservative change, it occurs at a poorly conserved position in the protein, it is predicted to be benign by multiple in silico algorithms, and/or has population frequency not consistent with disease.

Breakthrough Genomics
Classification: Benign. Review status: criteria provided, single submitter. Criteria: ACMG Guidelines, 2015. Collection method: not provided. Allele origin: germline. Inheritance: Autosomal recessive inheritance. Affected: yes.

Mayo Clinic Laboratories, Mayo Clinic
Classification: Benign. Last evaluated: 2016-02-22. Review status: no assertion criteria provided. Collection method: clinical testing. Allele origin: unknown. Not counted in ClinVar's aggregate classification.

Clinical Genetics, Academic Medical Center
Classification: Benign. Review status: no assertion criteria provided. Collection method: clinical testing. Allele origin: germline. Affected: yes. Study: VKGL Data-share Consensus. Not counted in ClinVar's aggregate classification.

Diagnostic Laboratory, Department of Genetics, University Medical Center Groningen
Classification: Benign. Review status: no assertion criteria provided. Collection method: clinical testing. Allele origin: germline. Affected: yes. Study: VKGL Data-share Consensus. Not counted in ClinVar's aggregate classification.